The following is an entry in ClinVar:

ClinVar aggregate classification (germline): Likely pathogenic (1 of 4 stars; one submission).

Conditions:
Microphthalmia, syndromic 9. Also called: PULMONARY AGENESIS, MICROPHTHALMIA, AND DIAPHRAGMATIC DEFECT; SPEAR SYNDROME; Matthew-Wood syndrome; ANOPHTHALMIA, CLINICAL, WITH MILD FACIAL DYSMORPHISM AND VARIABLE MALFORMATIONS OF THE LUNG, HEART, AND DIAPHRAGM; ANOPHTHALMIA/MICROPHTHALMIA AND PULMONARY HYPOPLASIA. Identifiers: Orphanet 2470, MedGen C1832661, MONDO:0011010, OMIM 601186.

Submission:

Labcorp Genetics (formerly Invitae), Labcorp
Classification: Likely pathogenic for Microphthalmia, syndromic 9. Last evaluated: 2019-05-03. Review status: criteria provided, single submitter. Criteria: Invitae Variant Classification Sherloc (09022015). Collection method: clinical testing. Allele origin: germline.
Comment: In summary, the currently available evidence indicates that the variant is pathogenic, but additional data are needed to prove that conclusively. Therefore, this variant has been classified as Likely Pathogenic. Donor and acceptor splice site variants typically lead to a loss of protein function (PMID: 16199547), and loss-of-function variants in STRA6 are known to be pathogenic (PMID: 17273977, 19309693). This variant has not been reported in the literature in individuals with STRA6-related conditions. The frequency data for this variant in the population databases is considered unreliable, as metrics indicate poor data quality at this position in the ExAC database. This sequence change affects a donor splice site in intron 15 of the STRA6 gene. It is expected to disrupt RNA splicing and likely results in an absent or disrupted protein product.

Literature cited by the submitters: PubMed 16199547; PubMed 17273977; PubMed 19309693.

NM_022369.4(STRA6):c.1418+1_1418+3del

Gene: STRA6 (signaling receptor and transporter of retinol STRA6; minus strand). Cytogenetic location: 15q24.1.
Variant type: Microsatellite.
Coding change: c.1418+1_1418+3del on transcript NM_022369.4 (MANE Select); the canonical splice donor site of the intron after coding-DNA position 1418 through 3 bases into the intron after coding-DNA position 1418, 3 bases deleted (GTG; older notation c.1418+1_1418+3delGTG).
Molecular consequence: splice donor variant.
Genome position (GRCh38, 1-based): chr15:74,182,340-74,182,342, CAC deleted on the plus strand (GTG on the coding strand, the reverse complement: STRA6 is on the minus strand); deleting any 3 consecutive bases within chr15:74,182,340-74,182,345 gives the same sequence; the c. name uses the placement nearest the transcript's 3' end. VCF-style (leftmost placement, unchanged base first): chr15-74182339-TCAC-T. GRCh37 (hg19) VCF-style: chr15-74474680-TCAC-T.
Other names: c.1529+1_1529+3del (NM_001199040.2); c.1391+1_1391+3del (NM_001142619.2); c.1418+1_1418+3del (NM_001142617.2, NM_001142618.2); c.1463+1_1463+3del (NM_001199041.2); c.1535+1_1535+3del (NM_001199042.2).
Identifiers: ClinVar variation 951027 (VCV000951027.8), dbSNP rs751838285, ClinGen allele CA7654578.